The following is an entry in ClinVar:

NM_001267550.2(TTN):c.89107G>A (p.Asp29703Asn)

Genes: TTN (titin; minus strand), TTN-AS1 (TTN antisense RNA 1; plus strand). Cytogenetic location: 2q31.2.
Variant type: single nucleotide variant.
Coding change: c.89107G>A on transcript NM_001267550.2 (MANE Select); coding-DNA position 89107, G replaced by A.
Protein change: p.Asp29703Asn; replaces aspartic acid 29703 with asparagine.
Molecular consequence: missense variant.
Genome position (GRCh38, 1-based): chr2:178,554,004, C>T on the plus strand (G>A on the coding strand, the complement: TTN is on the minus strand). VCF-style: chr2-178554004-C-T. GRCh37 (hg19) VCF-style: chr2-179418731-C-T.
Other names: c.84184G>A, p.Asp28062Asn (NM_001256850.1); c.61912G>A, p.Asp20638Asn (NM_003319.4); c.81403G>A, p.Asp27135Asn (NM_133378.4); c.62287G>A, p.Asp20763Asn (NM_133432.3); c.62488G>A, p.Asp20830Asn (NM_133437.4); short protein forms D20638N, D20763N, D20830N, D27135N, D28062N, D29703N.
Identifiers: ClinVar variation 4987922 (VCV004987922.1).

ClinVar aggregate classification (germline): Uncertain significance (1 of 4 stars; one submission).

Conditions:
TTN-related disorder. Also called: TTN-related disorders; TTN-related condition; TTN-related disease.

Submission:

PreventionGenetics, part of Exact Sciences
Classification: Uncertain significance for TTN-related condition. Last evaluated: 2026-07-31. Review status: criteria provided, single submitter. Criteria: ACMG Guidelines, 2015. Collection method: clinical testing. Allele origin: germline.
Comment: The TTN c.89107G>A variant is predicted to result in the amino acid substitution p.Asp29703Asn. To our knowledge, this variant has not been reported in the literature or in a large population database (gnomAD), indicating this variant is rare. At this time, the clinical significance of this variant is uncertain due to the absence of conclusive functional and genetic evidence.